The following is an entry in ClinVar:

NM_022168.4(IFIH1):c.2101del (p.Lys700_Leu701insTer)

Gene: IFIH1 (interferon induced with helicase C domain 1; minus strand). Cytogenetic location: 2q24.2.
Variant type: Deletion.
Coding change: c.2101del on transcript NM_022168.4 (MANE Select); coding-DNA position 2101, one base deleted (C; older notation c.2101delC).
Protein change: p.Lys700_Leu701insTer.
Molecular consequence: nonsense.
Genome position (GRCh38, 1-based): chr2:162,276,890, G deleted on the plus strand (C on the coding strand, the reverse complement: IFIH1 is on the minus strand). VCF-style (leftmost placement, unchanged base first): chr2-162276889-AG-A. GRCh37 (hg19) VCF-style: chr2-163133399-AG-A.
Identifiers: ClinVar variation 864715 (VCV000864715.7), dbSNP rs1682679223, ClinGen allele CA916082212.

ClinVar aggregate classification (germline): Uncertain significance (1 of 4 stars; one submission).

Conditions:
Singleton-Merten syndrome 1 (SGMRT1). Also called: Widened medullary cavities of bone, aortic calcification, abnormal dentition, and muscular weakness; Syndrome of widened medullary cavities of the metacarpals and phalanges, aortic calcification and abnormal dentition. Identifiers: Orphanet 85191, MedGen C4225427, MONDO:0024535, OMIM 182250.
Aicardi-Goutieres syndrome 7 (AGS7). Identifiers: Orphanet 51, MedGen C3888244, MONDO:0014367, OMIM 615846.

Submission:

Labcorp Genetics (formerly Invitae), Labcorp
Classification: Uncertain significance for Aicardi-Goutieres syndrome 7; Singleton-Merten syndrome 1. Last evaluated: 2019-11-19. Review status: criteria provided, single submitter. Criteria: Invitae Variant Classification Sherloc (09022015). Collection method: clinical testing. Allele origin: germline.
Comment: This sequence change creates a premature translational stop signal (p.Leu701*) in the IFIH1 gene. It is expected to result in an absent or disrupted protein product. This variant is not present in population databases (ExAC no frequency). This variant has not been reported in the literature in individuals with IFIH1-related conditions. The current clinical and genetic evidence is not sufficient to establish whether loss-of-function variants in IFIH1 cause disease. In summary, the available evidence is currently insufficient to determine the role of this variant in disease. Therefore, it has been classified as a Variant of Uncertain Significance.